The following is an entry in ClinVar:

ClinVar aggregate classification (germline): Conflicting classifications of pathogenicity. Review status: criteria provided, conflicting classifications (1 of 4 stars). 3 submissions from 3 submitters: Uncertain significance (2); Likely benign (1). Last evaluated 2026-09-09.

Conditions:
PKD1L1-related disorder. Also called: PKD1L1-related condition.
Inborn genetic diseases. Identifiers: MedGen C0950123, MeSH D030342.

Allele frequency attached by ClinVar (database versions not stated): gnomAD 0.00003; TOPMed 0.00002; ExAC 0.00006; gnomAD exomes 0.00007.
gnomAD v4.1: 106 of 1,613,956 alleles (0.0066%); highest among the groups gnomAD compares: South Asian, 0.02%; no homozygotes.

Submissions (3):

PreventionGenetics, part of Exact Sciences
Classification: Uncertain significance for PKD1L1-related condition. Last evaluated: 2026-09-09. Review status: criteria provided, single submitter. Criteria: ACMG Guidelines, 2015. Collection method: clinical testing. Allele origin: germline.
Comment: The PKD1L1 c.4379A>G variant is predicted to result in the amino acid substitution p.Asn1460Ser. To our knowledge, this variant has not been reported in the literature. This variant is reported in 0.033% of alleles in individuals of South Asian descent in gnomAD. At this time, the clinical significance of this variant is uncertain due to the absence of conclusive functional and genetic evidence.

Ambry Genetics
Classification: Likely benign for Inborn genetic diseases. Last evaluated: 2023-01-06. Review status: criteria provided, single submitter. Criteria: Ambry Variant Classification Scheme 2023. Collection method: clinical testing. Allele origin: germline.

Labcorp Genetics (formerly Invitae), Labcorp
Classification: Uncertain significance. Last evaluated: 2022-10-16. Review status: criteria provided, single submitter. Criteria: Invitae Variant Classification Sherloc (09022015). Collection method: clinical testing. Allele origin: germline.
Comment: This sequence change replaces asparagine, which is neutral and polar, with serine, which is neutral and polar, at codon 1460 of the PKD1L1 protein (p.Asn1460Ser). In summary, the available evidence is currently insufficient to determine the role of this variant in disease. Therefore, it has been classified as a Variant of Uncertain Significance. Advanced modeling of protein sequence and biophysical properties (such as structural, functional, and spatial information, amino acid conservation, physicochemical variation, residue mobility, and thermodynamic stability) performed at Invitae indicates that this missense variant is not expected to disrupt PKD1L1 protein function. This variant has not been reported in the literature in individuals affected with PKD1L1-related conditions. This variant is present in population databases (rs751408049, gnomAD 0.04%).

NM_138295.5(PKD1L1):c.4379A>G (p.Asn1460Ser)

Gene: PKD1L1 (polycystin 1 like 1, transient receptor potential channel interacting; minus strand). Cytogenetic location: 7p12.3.
Variant type: single nucleotide variant.
Coding change: c.4379A>G on transcript NM_138295.5 (MANE Select); coding-DNA position 4379, A replaced by G.
Protein change: p.Asn1460Ser; replaces asparagine 1460 with serine.
Molecular consequence: missense variant.
Genome position (GRCh38, 1-based): chr7:47,857,816, T>C on the plus strand (A>G on the coding strand, the complement: PKD1L1 is on the minus strand). VCF-style: chr7-47857816-T-C. GRCh37 (hg19) VCF-style: chr7-47897414-T-C.
Other names: c.4379A>G (NM_138295.3); short protein forms N1460S.
Identifiers: ClinVar variation 1905990 (VCV001905990.8), dbSNP rs751408049, ClinGen allele CA4253119.